The following is an entry in ClinVar:

NM_018163.3(DNAJC17):c.260A>C (p.Gln87Pro)

Gene: DNAJC17 (DnaJ heat shock protein family (Hsp40) member C17; minus strand). Cytogenetic location: 15q15.1.
Variant type: single nucleotide variant.
Coding change: c.260A>C on transcript NM_018163.3 (MANE Select); coding-DNA position 260, A replaced by C.
Protein change: p.Gln87Pro; replaces glutamine 87 with proline.
Molecular consequence: missense variant.
Genome position (GRCh38, 1-based): chr15:40,779,258, T>G on the plus strand (A>C on the coding strand, the complement: DNAJC17 is on the minus strand). VCF-style: chr15-40779258-T-G. GRCh37 (hg19) VCF-style: chr15-41071456-T-G.
Other names: short protein forms Q87P.
Identifiers: ClinVar variation 2873666 (VCV002873666.3), dbSNP rs1425815181, ClinGen allele CA391767114.

ClinVar aggregate classification (germline): Uncertain significance (1 of 4 stars; one submission).

Allele frequency attached by ClinVar (database versions not stated): TOPMed below 0.00001; gnomAD 0.00001.
gnomAD v4.1: 1 of 1,614,080 alleles (0.000062%); highest among the groups gnomAD compares: African/African-American, 0.0013%; no homozygotes.

Submission:

Labcorp Genetics (formerly Invitae), Labcorp
Classification: Uncertain significance. Last evaluated: 2023-12-11. Review status: criteria provided, single submitter. Criteria: Invitae Variant Classification Sherloc (09022015). Collection method: clinical testing. Allele origin: germline.
Comment: This sequence change replaces glutamine, which is neutral and polar, with proline, which is neutral and non-polar, at codon 87 of the DNAJC17 protein (p.Gln87Pro). This variant is present in population databases (no rsID available, gnomAD 0.007%). This variant has not been reported in the literature in individuals affected with DNAJC17-related conditions. An algorithm developed to predict the effect of missense changes on protein structure and function (PolyPhen-2) suggests that this variant is likely to be tolerated. In summary, the available evidence is currently insufficient to determine the role of this variant in disease. Therefore, it has been classified as a Variant of Uncertain Significance.